The following is an entry in ClinVar:

ClinVar aggregate classification (germline): Uncertain significance (1 of 4 stars; one submission).

Allele frequency attached by ClinVar (database versions not stated): gnomAD exomes below 0.00001.
gnomAD v4.1: 1 of 1,613,972 alleles (0.000062%); highest among the groups gnomAD compares: Non-Finnish European, 0.000085%; no homozygotes.

Submission:

Ambry Genetics
Classification: Uncertain significance. Last evaluated: 2021-08-07. Review status: criteria provided, single submitter. Criteria: Ambry Variant Classification Scheme 2023. Collection method: clinical testing. Allele origin: germline.
Comment: The p.I1971S variant (also known as c.5912T>G), located in coding exon 8 of the ALPK2 gene, results from a T to G substitution at nucleotide position 5912. The isoleucine at codon 1971 is replaced by serine, an amino acid with dissimilar properties. This amino acid position is conserved. In addition, this alteration is predicted to be tolerated by in silico analysis. Since supporting evidence is limited at this time, the clinical significance of this alteration remains unclear.

NM_052947.4(ALPK2):c.5912T>G (p.Ile1971Ser)

Gene: ALPK2 (alpha kinase 2; minus strand). Cytogenetic location: 18q21.31.
Variant type: single nucleotide variant.
Coding change: c.5912T>G on transcript NM_052947.4 (MANE Select); coding-DNA position 5912, T replaced by G.
Protein change: p.Ile1971Ser; replaces isoleucine 1971 with serine.
Molecular consequence: missense variant.
Genome position (GRCh38, 1-based): chr18:58,516,936, A>C on the plus strand (T>G on the coding strand, the complement: ALPK2 is on the minus strand). VCF-style: chr18-58516936-A-C. GRCh37 (hg19) VCF-style: chr18-56184168-A-C.
Other names: short protein forms I1971S.
Identifiers: ClinVar variation 1750459 (VCV001750459.2), dbSNP rs2518862632, ClinGen allele CA402547852.